The following is an entry in ClinVar:

ClinVar aggregate classification (germline): Conflicting classifications of pathogenicity. Review status: criteria provided, conflicting classifications (1 of 4 stars). 7 submissions from 7 submitters: Uncertain significance (1); Benign (4); Likely benign (2). Last evaluated 2026-05-01.

Conditions:
Microcephalic osteodysplastic primordial dwarfism type II (MOPD2). Also called: Microcephalic osteodysplastic primordial dwarfism with tooth abnormalities; MOPD II; OSTEODYSPLASTIC PRIMORDIAL DWARFISM, TYPE II. Identifiers: Orphanet 2637, MedGen C0432246, MONDO:0008872, OMIM 210720.

Allele frequency attached by ClinVar (database versions not stated): gnomAD exomes 0.00053 and 0.00154; ExAC 0.00172; 1000 Genomes Project 0.00399; 1000 Genomes Project 30x 0.00437; gnomAD 0.00539 and 0.00585; ESP Exome Variant Server 0.00589; TOPMed 0.00645.
gnomAD v4.1: 1,622 of 1,608,432 alleles (0.1%); highest among the groups gnomAD compares: African/African-American, 1.9%; 10 homozygotes.

Submissions (7):

CeGaT Center for Human Genetics Tuebingen
Classification: Likely benign. Last evaluated: 2026-05-01. Review status: criteria provided, single submitter. Criteria: CeGaT Center For Human Genetics Tuebingen Variant Classification Criteria Version 2. Collection method: clinical testing. Allele origin: germline. Affected: yes. Observed: 2 variant alleles.
Comment: PCNT: BP4, BS1

Labcorp Genetics (formerly Invitae), Labcorp
Classification: Benign. Last evaluated: 2026-02-03. Review status: criteria provided, single submitter. Criteria: Invitae Variant Classification Sherloc (09022015). Collection method: clinical testing. Allele origin: germline.

Blueprint Genetics
Classification: Likely benign. Last evaluated: 2024-11-06. Review status: criteria provided, single submitter. Criteria: ACMG Guidelines, 2015. Collection method: clinical testing. Allele origin: germline.

ARUP Laboratories, Molecular Genetics and Genomics, ARUP Laboratories
Classification: Benign for Microcephalic osteodysplastic primordial dwarfism type II. Last evaluated: 2023-09-21. Review status: criteria provided, single submitter. Criteria: ARUP Molecular Germline Variant Investigation Process 2024. Collection method: clinical testing. Allele origin: germline.

GeneDx
Classification: Benign. Last evaluated: 2020-04-06. Review status: criteria provided, single submitter. Criteria: GeneDx Variant Classification Process June 2021. Collection method: clinical testing. Allele origin: germline. Affected: yes.
Comment: This variant is associated with the following publications: (PMID: 30413633)

Illumina Laboratory Services, Illumina
Classification: Benign for Microcephalic osteodysplastic primordial dwarfism type II. Last evaluated: 2018-01-13. Review status: criteria provided, single submitter. Criteria: ICSL Variant Classification Criteria 13 December 2019. Collection method: clinical testing. Allele origin: germline.
Comment: This variant was observed in the ICSL laboratory as part of a predisposition screen in an ostensibly healthy population. It had not been previously curated by ICSL or reported in the Human Gene Mutation Database (HGMD: prior to June 1st, 2018), and was therefore a candidate for classification through an automated scoring system. Utilizing variant allele frequency, disease prevalence and penetrance estimates, and inheritance mode, an automated score was calculated to assess if this variant is too frequent to cause the disease. Based on the score and internal cut-off values, a variant classified as benign is not then subjected to further curation. The score for this variant resulted in a classification of benign for this disease.

Genetic Services Laboratory, University of Chicago
Classification: Uncertain significance. Last evaluated: 2014-08-20. Review status: criteria provided, single submitter. Criteria: ACMG Guidelines, 2015. Collection method: clinical testing. Allele origin: germline.

NM_006031.6(PCNT):c.5954C>T (p.Ser1985Phe)

Gene: PCNT (pericentrin; plus strand). Cytogenetic location: 21q22.3.
Variant type: single nucleotide variant.
Coding change: c.5954C>T on transcript NM_006031.6 (MANE Select); coding-DNA position 5954, C replaced by T.
Protein change: p.Ser1985Phe; replaces serine 1985 with phenylalanine.
Molecular consequence: missense variant.
Genome position (GRCh38, 1-based): chr21:46,412,027, C>T. VCF-style: chr21-46412027-C-T. GRCh37 (hg19) VCF-style: chr21-47831941-C-T.
Other names: c.5600C>T, p.Ser1867Phe (NM_001315529.2); short protein forms S1985F, S1867F.
Identifiers: ClinVar variation 211868 (VCV000211868.39), dbSNP rs140398533, ClinGen allele CA209679.
Genomic context (GRCh38, chr21:46,412,027, plus strand): 5'-ACCCACAGCCTCGCATGGATGGTGGCGCCAAGGCCCAGGTCACCGGCGACGTGGAGGCCT[C>T]CCATGATGCTGCTTTGGAGCCGGTTGTCCCTGACCCACAGGTGGGCTCCCCCCGCGGGCC-3'
Protein context (NP_006022.3, residues 1975-1995): KAQVTGDVEA[Ser1985Phe]HDAALEPVVP